The following is an entry in ClinVar:

ClinVar aggregate classification (germline): Uncertain significance (1 of 4 stars; one submission).

Conditions:
Candidiasis, familial, 9 (CANDF9). Identifiers: Orphanet 1334, MedGen C4225324, MONDO:0014642, OMIM 616445.

Allele frequency attached by ClinVar (database versions not stated): TOPMed 0.00006; ESP Exome Variant Server 0.00008.
gnomAD v4.1: 8 of 1,612,454 alleles (0.0005%); highest among the groups gnomAD compares: African/African-American, 0.0067%; 1 homozygote.

Submission:

Labcorp Genetics (formerly Invitae), Labcorp
Classification: Uncertain significance for Candidiasis, familial, 9. Last evaluated: 2025-10-26. Review status: criteria provided, single submitter. Criteria: Invitae Variant Classification Sherloc (09022015). Collection method: clinical testing. Allele origin: germline.
Comment: This sequence change replaces alanine, which is neutral and non-polar, with glutamic acid, which is acidic and polar, at codon 752 of the IL17RC protein (p.Ala752Glu). The frequency data for this variant in the population databases is considered unreliable, as metrics indicate poor data quality at this position in the gnomAD database. This variant has not been reported in the literature in individuals affected with IL17RC-related conditions. ClinVar contains an entry for this variant (Variation ID: 956074). An algorithm developed to predict the effect of missense changes on protein structure and function (PolyPhen-2) suggests that this variant is likely to be disruptive. In summary, the available evidence is currently insufficient to determine the role of this variant in disease. Therefore, it has been classified as a Variant of Uncertain Significance.

NM_153460.4(IL17RC):c.2042C>A (p.Ala681Glu)

Genes: IL17RC (interleukin 17 receptor C; plus strand), LOC129936144 (ATAC-STARR-seq lymphoblastoid silent region 14051; plus strand). Cytogenetic location: 3p25.3.
Variant type: single nucleotide variant.
Coding change: c.2042C>A on transcript NM_153460.4 (MANE Select); coding-DNA position 2042, C replaced by A.
Protein change: p.Ala681Glu; replaces alanine 681 with glutamic acid.
Molecular consequence: missense variant. On other transcripts: non-coding transcript variant (1).
Genome position (GRCh38, 1-based): chr3:9,933,472, C>A. VCF-style: chr3-9933472-C-A. GRCh37 (hg19) VCF-style: chr3-9975156-C-A.
Other names: c.2003C>A, p.Ala668Glu (NM_001203263.2); c.1952C>A, p.Ala651Glu (NM_001203264.2); c.1946C>A, p.Ala649Glu (NM_001203265.2); c.1964C>A, p.Ala655Glu (NM_001367278.1); c.1883C>A, p.Ala628Glu (NM_001367279.1); c.1958C>A, p.Ala653Glu (NM_001367280.1); c.1997C>A, p.Ala666Glu (NM_032732.6); c.2255C>A, p.Ala752Glu (NM_153461.4); short protein forms A649E, A681E, A628E, A655E, A666E, A752E, A651E, A653E.
Identifiers: ClinVar variation 956074 (VCV000956074.7), dbSNP rs371918201, ClinGen allele CA2247474.